The following is an entry in ClinVar:

NM_000257.4(MYH7):c.339G>C (p.Met113Ile)

Gene: MYH7 (myosin heavy chain 7; minus strand). Cytogenetic location: 14q11.2.
Variant type: single nucleotide variant.
Coding change: c.339G>C on transcript NM_000257.4 (MANE Select); coding-DNA position 339, G replaced by C.
Protein change: p.Met113Ile; replaces methionine 113 with isoleucine.
Molecular consequence: missense variant.
Genome position (GRCh38, 1-based): chr14:23,433,090, C>G on the plus strand (G>C on the coding strand, the complement: MYH7 is on the minus strand). VCF-style: chr14-23433090-C-G. GRCh37 (hg19) VCF-style: chr14-23902299-C-G.
Other names: c.339G>C, p.Met113Ile (NM_001407004.1); short protein forms M113I.
Identifiers: ClinVar variation 2195913 (VCV002195913.5), dbSNP rs867183634, ClinGen allele CA257826703.

ClinVar aggregate classification (germline): Uncertain significance. Review status: criteria provided, multiple submitters, no conflicts (2 of 4 stars). 2 submissions from 2 submitters: Uncertain significance (2). Last evaluated 2025-12-22.

Conditions:
Hypertrophic cardiomyopathy. Also called: HYPERTROPHIC MYOCARDIOPATHY. Identifiers: Orphanet 217569, MedGen C0007194, MeSH D002312, MONDO:0005045, HP:0001639.
Primary familial hypertrophic cardiomyopathy (HCM). Identifiers: Orphanet 99739, MedGen C0949658, MeSH D024741, MONDO:0024573. Inheritance: Various modes of inheritance.

Allele frequency attached by ClinVar (database versions not stated): gnomAD exomes below 0.00001; gnomAD 0.00001; TOPMed 0.00001.

Submissions (2):

Petrovsky National Research Centre of Surgery, The Federal Agency for Scientific Organizations
Classification: Uncertain significance for Primary familial hypertrophic cardiomyopathy. Last evaluated: 2025-12-22. Review status: criteria provided, single submitter. Criteria: ACMG Guidelines, 2015. Collection method: clinical testing. Allele origin: germline. Affected: yes. Observed: 1 variant allele.
Comment: The variant is in The Genome Aggregation Database (gnomAD) v4.1.0 with total 0.000001859. (Date of access 2025-12-22). In accordance with ACMG (2015) criteria this variant is classified as Uncertain significance with following criteria selected: PM2.

Labcorp Genetics (formerly Invitae), Labcorp
Classification: Uncertain significance for Hypertrophic cardiomyopathy. Last evaluated: 2025-06-30. Review status: criteria provided, single submitter. Criteria: Invitae Variant Classification Sherloc (09022015). Collection method: clinical testing. Allele origin: germline.
Comment: This sequence change replaces methionine, which is neutral and non-polar, with isoleucine, which is neutral and non-polar, at codon 113 of the MYH7 protein (p.Met113Ile). This variant is present in population databases (no rsID available, gnomAD 0.002%). This variant has not been reported in the literature in individuals affected with MYH7-related conditions. ClinVar contains an entry for this variant (Variation ID: 2195913). Invitae Evidence Modeling of protein sequence and biophysical properties (such as structural, functional, and spatial information, amino acid conservation, physicochemical variation, residue mobility, and thermodynamic stability) indicates that this missense variant is expected to disrupt MYH7 protein function with a positive predictive value of 95%. In summary, the available evidence is currently insufficient to determine the role of this variant in disease. Therefore, it has been classified as a Variant of Uncertain Significance.